The following is an entry in ClinVar:

NM_177972.3(TUB):c.524G>A (p.Arg175Gln)

Genes: TUB (TUB bipartite transcription factor; plus strand), RIC3 (RIC3 acetylcholine receptor chaperone; minus strand). Cytogenetic location: 11p15.4.
Variant type: single nucleotide variant.
Coding change: c.524G>A on transcript NM_177972.3 (MANE Select); coding-DNA position 524, G replaced by A.
Protein change: p.Arg175Gln; replaces arginine 175 with glutamine.
Molecular consequence: missense variant.
Genome position (GRCh38, 1-based): chr11:8,095,624, G>A. VCF-style: chr11-8095624-G-A. GRCh37 (hg19) VCF-style: chr11-8117171-G-A.
Other names: c.689G>A, p.Arg230Gln (NM_003320.5); short protein forms R175Q, R230Q.
Identifiers: ClinVar variation 955529 (VCV000955529.12), dbSNP rs756044431, ClinGen allele CA5871121.
Genomic context (GRCh38, chr11:8,095,624, plus strand): 5'-CTGTGGGCCAGTCAGACCACGCCCAGGACGCAGGGGAGACGGCAGCTGGTGGGGGCGAAC[G>A]GCCCAGCGGGCAGGATCTCCGTGCCACGATGCAGAGGAAGGGTGAGCCCCATGGGGACCC-3'
Protein context (NP_813977.1, residues 165-185): AGETAAGGGE[Arg175Gln]PSGQDLRATM

ClinVar aggregate classification (germline): Conflicting classifications of pathogenicity. Review status: criteria provided, conflicting classifications (1 of 4 stars). 4 submissions from 4 submitters: Uncertain significance (3); Likely benign (1). Last evaluated 2025-02-25.

Conditions:
TUB-related disorder. Also called: TUB-related condition.

Allele frequency attached by ClinVar (database versions not stated): ExAC 0.00001; gnomAD exomes 0.00001 and 0.00002; gnomAD 0.00003; TOPMed 0.00003.
gnomAD v4.1: 28 of 1,609,792 alleles (0.0017%); highest among the groups gnomAD compares: Middle Eastern, 0.033%; no homozygotes.

Submissions (4):

PreventionGenetics, part of Exact Sciences
Classification: Uncertain significance for TUB-related condition. Last evaluated: 2025-02-25. Review status: criteria provided, single submitter. Criteria: ACMG Guidelines, 2015. Collection method: clinical testing. Allele origin: germline.
Comment: The TUB c.689G>A variant is predicted to result in the amino acid substitution p.Arg230Gln. To our knowledge, this variant has not been reported in the literature. This variant is reported in 0.0033% of alleles in individuals of European (Non-Finnish) descent in gnomAD. At this time, the clinical significance of this variant is uncertain due to the absence of conclusive functional and genetic evidence.

Blueprint Genetics
Classification: Uncertain significance. Last evaluated: 2022-11-10. Review status: criteria provided, single submitter. Criteria: ACMG Guidelines, 2015. Collection method: clinical testing. Allele origin: germline.

Labcorp Genetics (formerly Invitae), Labcorp
Classification: Uncertain significance. Last evaluated: 2022-07-01. Review status: criteria provided, single submitter. Criteria: Invitae Variant Classification Sherloc (09022015). Collection method: clinical testing. Allele origin: germline.
Comment: In summary, the available evidence is currently insufficient to determine the role of this variant in disease. Therefore, it has been classified as a Variant of Uncertain Significance. Algorithms developed to predict the effect of missense changes on protein structure and function output the following: SIFT: "Tolerated"; PolyPhen-2: "Benign"; Align-GVGD: "Class C0". The glutamine amino acid residue is found in multiple mammalian species, which suggests that this missense change does not adversely affect protein function. ClinVar contains an entry for this variant (Variation ID: 955529). This variant has not been reported in the literature in individuals affected with TUB-related conditions. This variant is present in population databases (rs756044431, gnomAD 0.003%). This sequence change replaces arginine, which is basic and polar, with glutamine, which is neutral and polar, at codon 230 of the TUB protein (p.Arg230Gln).

Ambry Genetics
Classification: Likely benign. Last evaluated: 2021-12-16. Review status: criteria provided, single submitter. Criteria: Ambry Variant Classification Scheme 2023. Collection method: clinical testing. Allele origin: germline.